The following is an entry in ClinVar:

ClinVar aggregate classification (germline): Likely benign. Review status: criteria provided, multiple submitters, no conflicts (2 of 4 stars). 3 submissions from 3 submitters: Likely benign (3). Last evaluated 2024-09-10.

Conditions:
KBG syndrome (KBGS). Also called: ANKRD11-Related KBG Syndrome. Identifiers: Orphanet 2332, MedGen C0220687, MONDO:0007846, OMIM 148050.

Allele frequency attached by ClinVar (database versions not stated): gnomAD 0.00001; TOPMed 0.00001; ExAC 0.00002; gnomAD exomes 0.00003.
gnomAD v4.1: 49 of 1,614,172 alleles (0.003%); highest among the groups gnomAD compares: Non-Finnish European, 0.004%; no homozygotes.

Submissions (3):

Blueprint Genetics
Classification: Likely benign. Last evaluated: 2024-09-10. Review status: criteria provided, single submitter. Criteria: ACMG Guidelines, 2015. Collection method: clinical testing. Allele origin: germline.

CeGaT Center for Human Genetics Tuebingen
Classification: Likely benign. Last evaluated: 2022-06-01. Review status: criteria provided, single submitter. Criteria: CeGaT Center For Human Genetics Tuebingen Variant Classification Criteria Version 2. Collection method: clinical testing. Allele origin: germline. Affected: yes. Observed: 1 variant allele.
Comment: ANKRD11: BP4, BP7

Labcorp Genetics (formerly Invitae), Labcorp
Classification: Likely benign for KBG syndrome. Last evaluated: 2022-04-21. Review status: criteria provided, single submitter. Criteria: Invitae Variant Classification Sherloc (09022015). Collection method: clinical testing. Allele origin: germline.

NM_013275.6(ANKRD11):c.4206C>T (p.Tyr1402=)

Gene: ANKRD11 (ankyrin repeat domain 11; minus strand). Cytogenetic location: 16q24.3.
Variant type: single nucleotide variant.
Coding change: c.4206C>T on transcript NM_013275.6 (MANE Select); coding-DNA position 4206, C replaced by T.
Protein change: p.Tyr1402=; no amino-acid change (tyrosine 1402 retained).
Molecular consequence: synonymous variant.
Genome position (GRCh38, 1-based): chr16:89,282,336, G>A on the plus strand (C>T on the coding strand, the complement: ANKRD11 is on the minus strand). VCF-style: chr16-89282336-G-A. GRCh37 (hg19) VCF-style: chr16-89348744-G-A.
Other names: c.4206C>T, p.Tyr1402= (NM_001256182.2, NM_001256183.2).
Identifiers: ClinVar variation 2059664 (VCV002059664.29), dbSNP rs749632782, ClinGen allele CA8242185.